The following is an entry in ClinVar:

NM_018089.3(ANKZF1):c.2153G>A (p.Arg718His)

Gene: ANKZF1 (ankyrin repeat and zinc finger peptidyl tRNA hydrolase 1; plus strand). Cytogenetic location: 2q35.
Variant type: single nucleotide variant.
Coding change: c.2153G>A on transcript NM_018089.3 (MANE Select); coding-DNA position 2153, G replaced by A.
Protein change: p.Arg718His; replaces arginine 718 with histidine.
Molecular consequence: missense variant.
Genome position (GRCh38, 1-based): chr2:219,236,417, G>A. VCF-style: chr2-219236417-G-A. GRCh37 (hg19) VCF-style: chr2-220101139-G-A.
Other names: c.2153G>A, p.Arg718His (NM_001042410.2); c.1523G>A, p.Arg508His (NM_001282792.2); c.2153G>A (NM_018089.2); short protein forms R718H, R508H.
Identifiers: ClinVar variation 1440339 (VCV001440339.9), dbSNP rs1055541797, ClinGen allele CA65975065.
Genomic context (GRCh38, chr2:219,236,417, plus strand): 5'-TGACTCCCTTTCACTACCTCGACTTCTCTTTCTGCTCCACACGTTGCCTCCAGGATCATC[G>A]CCGTCAGGCAGGGAGGCCCTCTTCCTGATCTCTTACAGCTCTACCTGGGGCCAACTCAGG-3'
Protein context (NP_060559.2, residues 708-726): FCSTRCLQDH[Arg718His]RQAGRPSS

ClinVar aggregate classification (germline): Uncertain significance. Review status: criteria provided, multiple submitters, no conflicts (2 of 4 stars). 2 submissions from 2 submitters: Uncertain significance (2). Last evaluated 2023-08-14.

Allele frequency attached by ClinVar (database versions not stated): gnomAD exomes below 0.00001; TOPMed 0.00001.

Submissions (2):

Ambry Genetics
Classification: Uncertain significance. Last evaluated: 2023-08-14. Review status: criteria provided, single submitter. Criteria: Ambry Variant Classification Scheme 2023. Collection method: clinical testing. Allele origin: germline.

Labcorp Genetics (formerly Invitae), Labcorp
Classification: Uncertain significance. Last evaluated: 2021-07-26. Review status: criteria provided, single submitter. Criteria: Invitae Variant Classification Sherloc (09022015). Collection method: clinical testing. Allele origin: germline.
Comment: In summary, the available evidence is currently insufficient to determine the role of this variant in disease. Therefore, it has been classified as a Variant of Uncertain Significance. Algorithms developed to predict the effect of missense changes on protein structure and function are either unavailable or do not agree on the potential impact of this missense change (SIFT: "Deleterious"; PolyPhen-2: "Probably Damaging"; Align-GVGD: "Class C0"). This variant has not been reported in the literature in individuals affected with ANKZF1-related conditions. This variant is not present in population databases (ExAC no frequency). This sequence change replaces arginine with histidine at codon 718 of the ANKZF1 protein (p.Arg718His). The arginine residue is highly conserved and there is a small physicochemical difference between arginine and histidine.